The following is an entry in ClinVar:

NM_006231.4(POLE):c.6297C>G (p.Asn2099Lys)

Gene: POLE (DNA polymerase epsilon, catalytic subunit; minus strand). Cytogenetic location: 12q24.33.
Variant type: single nucleotide variant.
Coding change: c.6297C>G on transcript NM_006231.4 (MANE Select); coding-DNA position 6297, C replaced by G.
Protein change: p.Asn2099Lys; replaces asparagine 2099 with lysine.
Molecular consequence: missense variant.
Genome position (GRCh38, 1-based): chr12:132,632,348, G>C on the plus strand (C>G on the coding strand, the complement: POLE is on the minus strand). VCF-style: chr12-132632348-G-C. GRCh37 (hg19) VCF-style: chr12-133208934-G-C.
Other names: short protein forms N2099K.
Identifiers: ClinVar variation 1366620 (VCV001366620.8), dbSNP rs2138459637, ClinGen allele CA387369317.

ClinVar aggregate classification (germline): Uncertain significance (1 of 4 stars; one submission).

Submission:

Labcorp Genetics (formerly Invitae), Labcorp
Classification: Uncertain significance. Last evaluated: 2021-07-19. Review status: criteria provided, single submitter. Criteria: Invitae Variant Classification Sherloc (09022015). Collection method: clinical testing. Allele origin: germline.
Comment: This sequence change replaces asparagine with lysine at codon 2099 of the POLE protein (p.Asn2099Lys). The asparagine residue is highly conserved and there is a moderate physicochemical difference between asparagine and lysine. This variant is not present in population databases (ExAC no frequency). In summary, the available evidence is currently insufficient to determine the role of this variant in disease. Therefore, it has been classified as a Variant of Uncertain Significance. Algorithms developed to predict the effect of missense changes on protein structure and function are either unavailable or do not agree on the potential impact of this missense change (SIFT: "Deleterious"; PolyPhen-2: "Benign"; Align-GVGD: "Class C0"). This variant has not been reported in the literature in individuals affected with POLE-related conditions.